The following is an entry in ClinVar:

ClinVar aggregate classification (germline): Uncertain significance (1 of 4 stars; one submission).

Submission:

Labcorp Genetics (formerly Invitae), Labcorp
Classification: Uncertain significance. Last evaluated: 2022-06-04. Review status: criteria provided, single submitter. Criteria: Invitae Variant Classification Sherloc (09022015). Collection method: clinical testing. Allele origin: germline.
Comment: In summary, the available evidence is currently insufficient to determine the role of this variant in disease. Therefore, it has been classified as a Variant of Uncertain Significance. Algorithms developed to predict the effect of missense changes on protein structure and function (SIFT, PolyPhen-2, Align-GVGD) all suggest that this variant is likely to be tolerated. This variant has not been reported in the literature in individuals affected with ACE-related conditions. This variant is not present in population databases (gnomAD no frequency). This sequence change replaces arginine, which is basic and polar, with glycine, which is neutral and non-polar, at codon 81 of the ACE protein (p.Arg81Gly).

NM_000789.4(ACE):c.241A>G (p.Arg81Gly)

Genes: ACE (angiotensin I converting enzyme; plus strand), LOC130061383 (ATAC-STARR-seq lymphoblastoid silent region 8817; plus strand). Cytogenetic location: 17q23.3.
Variant type: single nucleotide variant.
Coding change: c.241A>G on transcript NM_000789.4 (MANE Select); coding-DNA position 241, A replaced by G.
Protein change: p.Arg81Gly; replaces arginine 81 with glycine.
Molecular consequence: missense variant. On other transcripts: synonymous variant (1), 5 prime UTR variant (1).
Genome position (GRCh38, 1-based): chr17:63,477,335, A>G. VCF-style: chr17-63477335-A-G. GRCh37 (hg19) VCF-style: chr17-61554696-A-G.
Other names: c.6A>G, p.Gln2= (NM_001382700.1); c.-374A>G (NM_001382701.1); short protein forms R81G.
Identifiers: ClinVar variation 1903623 (VCV001903623.5), dbSNP rs1435418712, ClinGen allele CA400539190.
Genomic context (GRCh38, chr17:63,477,335, plus strand): 5'-CTGTTCCAGAGCGTGGCCGCCAGCTGGGCGCACGACACCAACATCACCGCGGAGAATGCA[A>G]GGCGCCAGGTGGGCGCCCGGGCCCGGGCGGGGGCGGGGCGGGGCCGCGGCGGCCAATCAC-3'
Protein context (NP_000780.1, residues 71-91): HDTNITAENA[Arg81Gly]RQEEAALLSQ